The following is an entry in ClinVar:

NM_002234.4(KCNA5):c.91G>A (p.Gly31Arg)

Gene: KCNA5 (potassium voltage-gated channel subfamily A member 5; plus strand). Cytogenetic location: 12p13.32.
Variant type: single nucleotide variant.
Coding change: c.91G>A on transcript NM_002234.4 (MANE Select); coding-DNA position 91, G replaced by A.
Protein change: p.Gly31Arg; replaces glycine 31 with arginine.
Molecular consequence: missense variant.
Genome position (GRCh38, 1-based): chr12:5,044,238, G>A. VCF-style: chr12-5044238-G-A. GRCh37 (hg19) VCF-style: chr12-5153404-G-A.
Other names: short protein forms G31R.
Identifiers: ClinVar variation 3660706 (VCV003660706.2).

ClinVar aggregate classification (germline): Uncertain significance (1 of 4 stars; one submission).

Conditions:
Atrial fibrillation, familial, 7 (ATFB7). Identifiers: MedGen C2677106, MONDO:0012828, OMIM 612240.

Submission:

Labcorp Genetics (formerly Invitae), Labcorp
Classification: Uncertain significance for Atrial fibrillation, familial, 7. Last evaluated: 2024-07-27. Review status: criteria provided, single submitter. Criteria: Invitae Variant Classification Sherloc (09022015). Collection method: clinical testing. Allele origin: germline.
Comment: This sequence change replaces glycine, which is neutral and non-polar, with arginine, which is basic and polar, at codon 31 of the KCNA5 protein (p.Gly31Arg). This variant is not present in population databases (gnomAD no frequency). This variant has not been reported in the literature in individuals affected with KCNA5-related conditions. An algorithm developed to predict the effect of missense changes on protein structure and function outputs the following: PolyPhen-2: "Benign". The arginine amino acid residue is found in multiple mammalian species, which suggests that this missense change does not adversely affect protein function. In summary, the available evidence is currently insufficient to determine the role of this variant in disease. Therefore, it has been classified as a Variant of Uncertain Significance.